The following is an entry in ClinVar:

ClinVar aggregate classification (germline): Likely benign (1 of 4 stars; one submission).

gnomAD v4.1: 3 of 1,612,808 alleles (0.00019%); highest among the groups gnomAD compares: Non-Finnish European, 0.00017%; no homozygotes.

Submission:

CeGaT Center for Human Genetics Tuebingen
Classification: Likely benign. Last evaluated: 2026-07-01. Review status: criteria provided, single submitter. Criteria: CeGaT Center For Human Genetics Tuebingen Variant Classification Criteria Version 2. Collection method: clinical testing. Allele origin: germline. Affected: yes. Observed: 2 variant alleles.
Comment: CACNA1E: BP4, BP7

NM_001205293.3(CACNA1E):c.2169C>T (p.Phe723=)

Gene: CACNA1E (calcium voltage-gated channel subunit alpha1 E; plus strand). Cytogenetic location: 1q25.3.
Variant type: single nucleotide variant.
Coding change: c.2169C>T on transcript NM_001205293.3 (MANE Select); coding-DNA position 2169, C replaced by T.
Protein change: p.Phe723=; no amino-acid change (phenylalanine 723 retained).
Molecular consequence: synonymous variant.
Genome position (GRCh38, 1-based): chr1:181,726,091, C>T. VCF-style: chr1-181726091-C-T. GRCh37 (hg19) VCF-style: chr1-181695227-C-T.
Other names: c.2169C>T, p.Phe723= (NM_000721.4, NM_001205294.2).
Identifiers: ClinVar variation 5039405 (VCV005039405.1).